The following is an entry in ClinVar:

ClinVar aggregate classification (germline): Conflicting classifications of pathogenicity. Review status: criteria provided, conflicting classifications (1 of 4 stars). 3 submissions from 3 submitters: Uncertain significance (2); Likely benign (1). Last evaluated 2025-05-05.

Conditions:
Hereditary cancer-predisposing syndrome. Also called: Neoplastic Syndromes, Hereditary; Tumor predisposition; Hereditary neoplastic syndrome; Hereditary Cancer Syndrome. Identifiers: Orphanet 140162, MedGen C0027672, MeSH D009386, MONDO:0015356.
Hereditary breast ovarian cancer syndrome. Also called: Hereditary breast and ovarian cancer syndrome (HBOC); Hereditary breast and ovarian cancer; Hereditary breast and/or ovarian cancer syndrome; Hereditary breast and ovarian cancer syndrome; Breast and ovarian cancer; BRCA1- and BRCA2-Associated Hereditary Breast and Ovarian Cancer. Identifiers: Orphanet 145, MedGen C0677776, MeSH D061325, MONDO:0003582. Disease mechanism: loss of function.

Allele frequency attached by ClinVar (database versions not stated): gnomAD exomes below 0.00001.
gnomAD v4.1: 2 of 1,600,326 alleles (0.00012%); highest among the groups gnomAD compares: African/African-American, 0.0027%; no homozygotes.

Submissions (3):

Labcorp Genetics (formerly Invitae), Labcorp
Classification: Uncertain significance for Hereditary breast ovarian cancer syndrome. Last evaluated: 2025-05-05. Review status: criteria provided, single submitter. Criteria: Invitae Variant Classification Sherloc (09022015). Collection method: clinical testing. Allele origin: germline.
Comment: This sequence change replaces serine, which is neutral and polar, with alanine, which is neutral and non-polar, at codon 1461 of the BRCA2 protein (p.Ser1461Ala). This variant is not present in population databases (gnomAD no frequency). This variant has not been reported in the literature in individuals affected with BRCA2-related conditions. ClinVar contains an entry for this variant (Variation ID: 567915). Invitae Evidence Modeling of protein sequence and biophysical properties (such as structural, functional, and spatial information, amino acid conservation, physicochemical variation, residue mobility, and thermodynamic stability) indicates that this missense variant is not expected to disrupt BRCA2 protein function with a negative predictive value of 95%. In summary, the available evidence is currently insufficient to determine the role of this variant in disease. Therefore, it has been classified as a Variant of Uncertain Significance.

University of Washington Department of Laboratory Medicine, University of Washington
Classification: Likely benign for Hereditary cancer-predisposing syndrome. Last evaluated: 2023-03-23. Review status: criteria provided, single submitter. Criteria: Dines et al. (Genet Med. 2020). Collection method: curation. Allele origin: germline.
Comment: Missense variant in a coldspot region where missense variants are very unlikely to be pathogenic (PMID:31911673).

BRCA2 exon 11 coldspot. Reclassification based on statistical prior probability.

Ambry Genetics
Classification: Uncertain significance for Hereditary cancer-predisposing syndrome. Last evaluated: 2022-04-20. Review status: criteria provided, single submitter. Criteria: Ambry Variant Classification Scheme 2023. Collection method: clinical testing. Allele origin: germline.
Comment: The p.S1461A variant (also known as c.4381T>G), located in coding exon 10 of the BRCA2 gene, results from a T to G substitution at nucleotide position 4381. The serine at codon 1461 is replaced by alanine, an amino acid with similar properties. This amino acid position is well conserved in available vertebrate species. In addition, this alteration is predicted to be tolerated by in silico analysis. Since supporting evidence is limited at this time, the clinical significance of this alteration remains unclear.

NM_000059.4(BRCA2):c.4381T>G (p.Ser1461Ala)

Gene: BRCA2 (BRCA2 DNA repair associated; plus strand). Cytogenetic location: 13q13.1.
Variant type: single nucleotide variant.
Coding change: c.4381T>G on transcript NM_000059.4 (MANE Select); coding-DNA position 4381, T replaced by G.
Protein change: p.Ser1461Ala; replaces serine 1461 with alanine.
Molecular consequence: missense variant.
Genome position (GRCh38, 1-based): chr13:32,338,736, T>G. VCF-style: chr13-32338736-T-G. GRCh37 (hg19) VCF-style: chr13-32912873-T-G.
Other names: short protein forms S1461A.
Identifiers: ClinVar variation 567915 (VCV000567915.12), dbSNP rs1060502490, ClinGen allele CA387781054.
Genomic context (GRCh38, chr13:32,338,736, plus strand): 5'-GAGTCATTTAATAAAATTGTAAATTTCTTTGATCAGAAACCAGAAGAATTGCATAACTTT[T>G]CCTTAAATTCTGAATTACATTCTGACATAAGAAAGAACAAAATGGACATTCTAAGTTATG-3'
Protein context (NP_000050.3, residues 1451-1471): DQKPEELHNF[Ser1461Ala]LNSELHSDIR